The following is an entry in ClinVar:

NM_001134831.2(AHI1):c.2567C>T (p.Thr856Ile)

Gene: AHI1 (Abelson helper integration site 1; minus strand). Cytogenetic location: 6q23.3.
Variant type: single nucleotide variant.
Coding change: c.2567C>T on transcript NM_001134831.2 (MANE Select); coding-DNA position 2567, C replaced by T.
Protein change: p.Thr856Ile; replaces threonine 856 with isoleucine.
Molecular consequence: missense variant.
Genome position (GRCh38, 1-based): chr6:135,428,685, G>A on the plus strand (C>T on the coding strand, the complement: AHI1 is on the minus strand). VCF-style: chr6-135428685-G-A. GRCh37 (hg19) VCF-style: chr6-135749823-G-A.
Other names: c.2567C>T, p.Thr856Ile (NM_001134830.2, NM_001134832.2, NM_001350503.2 and 2 more transcripts); short protein forms T856I.
Identifiers: ClinVar variation 2152780 (VCV002152780.2), dbSNP rs199736888, ClinGen allele CA4012341.

ClinVar aggregate classification (germline): Uncertain significance. Review status: criteria provided, multiple submitters, no conflicts (2 of 4 stars). 2 submissions from 2 submitters: Uncertain significance (2). Last evaluated 2022-12-08.

Conditions:
Joubert syndrome. Also called: JOUBERT-BOLTSHAUSER SYNDROME; Familial aplasia of the vermis. Identifiers: Orphanet 475, MedGen C5979921, MONDO:0018772.

gnomAD v4.1: 12 of 1,608,814 alleles (0.00075%); highest among the groups gnomAD compares: South Asian, 0.0011%; no homozygotes.

Submissions (2):

Blueprint Genetics
Classification: Uncertain significance. Last evaluated: 2022-12-08. Review status: criteria provided, single submitter. Criteria: ACMG Guidelines, 2015. Collection method: clinical testing. Allele origin: germline.

Labcorp Genetics (formerly Invitae), Labcorp
Classification: Uncertain significance for Joubert syndrome. Last evaluated: 2022-06-14. Review status: criteria provided, single submitter. Criteria: Invitae Variant Classification Sherloc (09022015). Collection method: clinical testing. Allele origin: germline.
Comment: This sequence change replaces threonine, which is neutral and polar, with isoleucine, which is neutral and non-polar, at codon 856 of the AHI1 protein (p.Thr856Ile). This variant is present in population databases (rs199736888, gnomAD 0.006%). This variant has not been reported in the literature in individuals affected with AHI1-related conditions. Advanced modeling of protein sequence and biophysical properties (such as structural, functional, and spatial information, amino acid conservation, physicochemical variation, residue mobility, and thermodynamic stability) performed at Invitae indicates that this missense variant is not expected to disrupt AHI1 protein function. In summary, the available evidence is currently insufficient to determine the role of this variant in disease. Therefore, it has been classified as a Variant of Uncertain Significance.